The following is an entry in ClinVar:

NM_000322.5(PRPH2):c.772T>C (p.Tyr258His)

Gene: PRPH2 (peripherin 2; minus strand). Cytogenetic location: 6p21.1.
Variant type: single nucleotide variant.
Coding change: c.772T>C on transcript NM_000322.5 (MANE Select); coding-DNA position 772, T replaced by C.
Protein change: p.Tyr258His; replaces tyrosine 258 with histidine.
Molecular consequence: missense variant.
Genome position (GRCh38, 1-based): chr6:42,704,421, A>G on the plus strand (T>C on the coding strand, the complement: PRPH2 is on the minus strand). VCF-style: chr6-42704421-A-G. GRCh37 (hg19) VCF-style: chr6-42672159-A-G.
Other names: short protein forms Y258H.
Identifiers: ClinVar variation 4995524 (VCV004995524.1).

ClinVar aggregate classification (germline): Uncertain significance (1 of 4 stars; one submission).

Conditions:
PRPH2-related disorder. Also called: PRPH2-related condition; PRPH2-related disorders. Identifiers: MedGen CN239395.

Submission:

PreventionGenetics, part of Exact Sciences
Classification: Uncertain significance for PRPH2-related condition. Last evaluated: 2025-12-28. Review status: criteria provided, single submitter. Criteria: ACMG Guidelines, 2015. Collection method: clinical testing. Allele origin: germline.
Comment: The PRPH2 c.772T>C variant is predicted to result in the amino acid substitution p.Tyr258His. To our knowledge, this variant has not been reported in the literature or in a large population database (gnomAD), indicating this variant is rare. At this time, the clinical significance of this variant is uncertain due to the absence of conclusive functional and genetic evidence.